The following is an entry in ClinVar:

ClinVar aggregate classification (germline): Pathogenic (1 of 4 stars; one submission).

Conditions:
Alport syndrome. Also called: Hemorrhagic familial nephritis; Hemorrhagic hereditary nephritis; Congenital hereditary hematuria. Identifiers: Orphanet 63, MedGen C1567741, MONDO:0018965.

Submission:

Myriad Genetics, Inc.
Classification: Pathogenic for Alport syndrome. Last evaluated: 2023-09-27. Review status: criteria provided, single submitter. Criteria: Myriad Autosomal Dominant, Autosomal Recessive and X-Linked Classification Criteria (2023). Collection method: clinical testing. Allele origin: unknown.
Comment: NM_000091.4(COL4A3):c.1815dupG(S606Vfs*40) is expected to be pathogenic in the context of Alport syndrome, COL4A3-related. This variant is predicted to lead to an abnormal or absent protein product due to the creation of a premature termination codon in COL4A3, a gene where loss-of-function variants are known to be pathogenic. Please note: this variant was assessed in the context of healthy population screening.

NM_000091.5(COL4A3):c.1815dup (p.Ser606fs)

Genes: COL4A3 (collagen type IV alpha 3 chain; plus strand), MFF-DT (MFF divergent transcript; minus strand). Cytogenetic location: 2q36.3.
Variant type: Duplication.
Coding change: c.1815dup on transcript NM_000091.5 (MANE Select); coding-DNA position 1815, one base duplicated (G; older notation c.1815dupG).
Protein change: p.Ser606fs; shifts the reading frame from serine 606.
Molecular consequence: frameshift variant.
Genome position (GRCh38, 1-based): chr2:227,273,005, G duplicated; the last of 3 consecutive G bases (chr2:227,273,003-227,273,005); duplicating any one gives the same sequence. VCF-style (leftmost placement, unchanged base first): chr2-227273002-T-TG. GRCh37 (hg19) VCF-style: chr2-228137718-T-TG.
Other names: short protein forms S606fs.
Identifiers: ClinVar variation 5012320 (VCV005012320.1).